The following is an entry in ClinVar:

ClinVar aggregate classification (germline): Uncertain significance (1 of 4 stars; one submission).

Conditions:
Dystonia 5 (DRD). Also called: Dystonia, DOPA-responsive, with or without hyperphenylalaninemia; GTP Cyclohydrolase 1-Deficient Dopa-Responsive Dystonia; DYT-GCH1; DYSTONIA, PROGRESSIVE, WITH DIURNAL VARIATION; DYSTONIA-PARKINSONISM WITH DIURNAL FLUCTUATION. Identifiers: Orphanet 98808, MedGen C1851920, MONDO:0007495, OMIM 128230.
GTP cyclohydrolase I deficiency. Identifiers: MedGen C0268467, MONDO:0100184.

Submission:

Labcorp Genetics (formerly Invitae), Labcorp
Classification: Uncertain significance for GTP cyclohydrolase I deficiency; Dystonia 5. Last evaluated: 2022-10-03. Review status: criteria provided, single submitter. Criteria: Invitae Variant Classification Sherloc (09022015). Collection method: clinical testing. Allele origin: germline.
Comment: In summary, the available evidence is currently insufficient to determine the role of this variant in disease. Therefore, it has been classified as a Variant of Uncertain Significance. Advanced modeling of protein sequence and biophysical properties (such as structural, functional, and spatial information, amino acid conservation, physicochemical variation, residue mobility, and thermodynamic stability) performed at Invitae indicates that this missense variant is not expected to disrupt GCH1 protein function. This variant has not been reported in the literature in individuals affected with GCH1-related conditions. This variant is not present in population databases (gnomAD no frequency). This sequence change replaces methionine, which is neutral and non-polar, with valine, which is neutral and non-polar, at codon 221 of the GCH1 protein (p.Met221Val).

NM_000161.3(GCH1):c.661A>G (p.Met221Val)

Gene: GCH1 (GTP cyclohydrolase 1; minus strand). Cytogenetic location: 14q22.2.
Variant type: single nucleotide variant.
Coding change: c.661A>G on transcript NM_000161.3 (MANE Select); coding-DNA position 661, A replaced by G.
Protein change: p.Met221Val; replaces methionine 221 with valine.
Molecular consequence: missense variant. On other transcripts: intron variant (2).
Genome position (GRCh38, 1-based): chr14:54,844,109, T>C on the plus strand (A>G on the coding strand, the complement: GCH1 is on the minus strand). VCF-style: chr14-54844109-T-C. GRCh37 (hg19) VCF-style: chr14-55310827-T-C.
Other names: c.661A>G, p.Met221Val (NM_001024024.2); c.627-1055A>G (NM_001024071.2); c.627-240A>G (NM_001024070.2); short protein forms M221V.
Identifiers: ClinVar variation 1718545 (VCV001718545.5), dbSNP rs2504336720, ClinGen allele CA389787167.